The following is an entry in ClinVar:

ClinVar aggregate classification (germline): Pathogenic/Likely pathogenic. Review status: criteria provided, multiple submitters, no conflicts (2 of 4 stars). 2 submissions from 2 submitters: Pathogenic (1); Likely pathogenic (1). Last evaluated 2024-10-10.

Conditions:
Autosomal recessive nonsyndromic hearing loss 9. Also called: OTOF-Related Hearing Loss; Deafness, autosomal recessive 9; AUDITORY NEUROPATHY, AUTOSOMAL RECESSIVE, 1, TEMPERATURE-SENSITIVE; NEUROSENSORY NONSYNDROMIC RECESSIVE DEAFNESS 9. Identifiers: Orphanet 90636, MedGen C1832828, MONDO:0010986, OMIM 601071.

Allele frequency attached by ClinVar (database versions not stated): gnomAD 0.00001; ExAC 0.00002.
gnomAD v4.1: 9 of 1,612,756 alleles (0.00056%); highest among the groups gnomAD compares: Non-Finnish European, 0.00042%; no homozygotes.

Submissions (2):

Victorian Clinical Genetics Services, Murdoch Childrens Research Institute
Classification: Likely pathogenic for Autosomal recessive nonsyndromic hearing loss 9. Last evaluated: 2024-10-10. Review status: criteria provided, single submitter. Criteria: ACMG Guidelines, 2015. Collection method: clinical testing. Allele origin: germline. Inheritance: Autosomal recessive inheritance. Affected: yes.
Comment: Based on the classification scheme VCGS_Germline_v1.3.5, this variant is classified as Likely pathogenic. Following criteria are met: 0102 - Loss of function is a known mechanism of disease in this gene and is associated with autosomal recessive auditory neuropathy (MIM#601071) and deafness, 9 (MIM#601071). (I) 0106 - This gene is associated with autosomal recessive disease. (I) 0211 - Canonical splice site variant without proven consequence on splicing (no functional evidence available). (SP) 0251 - This variant is heterozygous. (I) 0304 - Variant is present in gnomAD (v4) <0.01 for a recessive condition (9 heterozygotes, 0 homozygotes). (SP) 0311 - An alternative nucleotide change at the same canonical splice site, is present in gnomAD (v4; 4 heterozygotes, 0 homozygotes). (I) 0505 - Abnormal splicing is predicted by in silico tools and affected nucleotide is highly conserved. (SP) 0703 - Another splice acceptor variant comparable to the one identified in this case has moderate previous evidence for pathogenicity. c.3289-1G>T has been reported as pathogenic in multiple unrelated families (PMID: 27573290, 33397372). (SP) 0803 - This variant has limited previous evidence of pathogenicity in an unrelated individual. This variant has a single pathogenic report (ClinVar). (SP) 0905 - No published segregation evidence has been identified for this variant. (I) 1007 - No published functional evidence has been identified for this variant. (I) 1208 - Inheritance information for this variant is not currently available in this individual. (I) Legend: (SP) - Supporting pathogenic, (I) - Information, (SB) - Supporting benign

Labcorp Genetics (formerly Invitae), Labcorp
Classification: Pathogenic. Last evaluated: 2023-11-24. Review status: criteria provided, single submitter. Criteria: Invitae Variant Classification Sherloc (09022015). Collection method: clinical testing. Allele origin: germline.
Comment: This sequence change affects an acceptor splice site in intron 26 of the OTOF gene. It is expected to disrupt RNA splicing. Variants that disrupt the donor or acceptor splice site typically lead to a loss of protein function (PMID: 16199547), and loss-of-function variants in OTOF are known to be pathogenic (PMID: 18381613, 19250381, 22575033). This variant is present in population databases (rs757708948, gnomAD 0.008%). Disruption of this splice site has been observed in individual(s) with profound congenital deafness (PMID: 33397372). It has also been observed to segregate with disease in related individuals. Algorithms developed to predict the effect of sequence changes on RNA splicing suggest that this variant may disrupt the consensus splice site. For these reasons, this variant has been classified as Pathogenic.

Literature cited by the submitters: PubMed 27573290 (cited by Victorian Clinical Genetics Services, Murdoch Childrens Research Institute); PubMed 33397372 (cited by Victorian Clinical Genetics Services, Murdoch Childrens Research Institute and Labcorp Genetics (formerly Invitae), Labcorp); PubMed 16199547 (cited by Labcorp Genetics (formerly Invitae), Labcorp); PubMed 18381613 (cited by Labcorp Genetics (formerly Invitae), Labcorp); PubMed 19250381 (cited by Labcorp Genetics (formerly Invitae), Labcorp); PubMed 22575033 (cited by Labcorp Genetics (formerly Invitae), Labcorp).

NM_194248.3(OTOF):c.3289-1G>C

Gene: OTOF (otoferlin; minus strand). Cytogenetic location: 2p23.3.
Variant type: single nucleotide variant.
Coding change: c.3289-1G>C on transcript NM_194248.3 (MANE Select); the canonical splice acceptor site of the intron before coding-DNA position 3289, G replaced by C.
Molecular consequence: splice acceptor variant.
Genome position (GRCh38, 1-based): chr2:26,474,111, C>G on the plus strand (G>C on the coding strand, the complement: OTOF is on the minus strand). VCF-style: chr2-26474111-C-G. GRCh37 (hg19) VCF-style: chr2-26696979-C-G.
Other names: c.3289-1G>C (NM_001287489.2, NM_194248.2); c.1048-1G>C (NM_194323.3, NM_004802.4); c.1219-1G>C (NM_194322.3).
Identifiers: ClinVar variation 3022565 (VCV003022565.4), dbSNP rs757708948, ClinGen allele CA1563595.